The following is an entry in ClinVar:

ClinVar aggregate classification (germline): Benign/Likely benign. Review status: criteria provided, multiple submitters, no conflicts (2 of 4 stars). 3 submissions from 3 submitters: Benign (1); Likely benign (1). 1 of the submissions does not count toward it. Last evaluated 2025-12-09.

Conditions:
MEGF8-related Carpenter syndrome. Also called: Carpenter syndrome 2. Identifiers: Orphanet 65759, MedGen C3554247, MONDO:0013998, OMIM 614976.
MEGF8-related disorder. Also called: MEGF8-related condition.

Allele frequency attached by ClinVar (database versions not stated): ESP Exome Variant Server 0.00008; gnomAD 0.00009 and 0.00023; gnomAD exomes 0.00034 and 0.00076; 1000 Genomes Project 30x 0.00062; ExAC 0.00073; 1000 Genomes Project 0.00080.

Submissions (3):

Labcorp Genetics (formerly Invitae), Labcorp
Classification: Benign for MEGF8-related Carpenter syndrome. Last evaluated: 2025-12-09. Review status: criteria provided, single submitter. Criteria: Invitae Variant Classification Sherloc (09022015). Collection method: clinical testing. Allele origin: germline.

Blueprint Genetics
Classification: Likely benign. Last evaluated: 2024-10-18. Review status: criteria provided, single submitter. Criteria: ACMG Guidelines, 2015. Collection method: clinical testing. Allele origin: germline.

PreventionGenetics, part of Exact Sciences
Classification: Likely benign for MEGF8-related condition. Last evaluated: 2020-01-02. Review status: no assertion criteria provided. Collection method: clinical testing. Allele origin: germline. Not counted in ClinVar's aggregate classification.
Comment: This variant is classified as likely benign based on ACMG/AMP sequence variant interpretation guidelines (Richards et al. 2015 PMID: 25741868, with internal and published modifications).

NM_001271938.2(MEGF8):c.1572C>T (p.Ser524=)

Gene: MEGF8 (multiple EGF like domains 8; plus strand). Cytogenetic location: 19q13.2.
Variant type: single nucleotide variant.
Coding change: c.1572C>T on transcript NM_001271938.2 (MANE Select); coding-DNA position 1572, C replaced by T.
Protein change: p.Ser524=; no amino-acid change (serine 524 retained).
Molecular consequence: synonymous variant.
Genome position (GRCh38, 1-based): chr19:42,343,535, C>T. VCF-style: chr19-42343535-C-T. GRCh37 (hg19) VCF-style: chr19-42847687-C-T.
Other names: c.1572C>T, p.Ser524= (NM_001410.3); c.1572C>T (NM_001410.2).
Identifiers: ClinVar variation 1627377 (VCV001627377.11), dbSNP rs375943387, ClinGen allele CA9474486.